The following is an entry in ClinVar:

ClinVar aggregate classification (germline): Uncertain significance (1 of 4 stars; one submission).

Conditions:
Familial juvenile hyperuricemic nephropathy type 1 (ADTKD1). Also called: Autosomal Dominant Tubulointerstitial Kidney Disease – UMOD; UMOD-Associated Kidney Disease; Uromodulin-associated kidney disease; Glomerulocystic kidney disease with hyperuricemia and isosthenuria; Medullary cystic kidney disease 2. Identifiers: Orphanet 209886, Orphanet 34149, Orphanet 88950, MedGen C4551496, MONDO:0008073, OMIM 162000.

Submission:

MVZ Medizinische Genetik Mainz
Classification: Uncertain significance for Familial juvenile hyperuricemic nephropathy type 1. Last evaluated: 2025-06-24. Review status: criteria provided, single submitter. Criteria: UK Practice Guidelines For Variant Classification V4 01 2020. Collection method: clinical testing. Allele origin: germline. Inheritance: Autosomal dominant inheritance. Affected: yes. Observed: 1 variant allele.
Comment: ACMG Criteria: PM2_SUP

NM_003361.4(UMOD):c.268T>A (p.Phe90Ile)

Gene: UMOD (uromodulin; minus strand). Cytogenetic location: 16p12.3.
Variant type: single nucleotide variant.
Coding change: c.268T>A on transcript NM_003361.4 (MANE Select); coding-DNA position 268, T replaced by A.
Protein change: p.Phe90Ile; replaces phenylalanine 90 with isoleucine.
Molecular consequence: missense variant. On other transcripts: non-coding transcript variant (1).
Genome position (GRCh38, 1-based): chr16:20,349,033, A>T on the plus strand (T>A on the coding strand, the complement: UMOD is on the minus strand). VCF-style: chr16-20349033-A-T. GRCh37 (hg19) VCF-style: chr16-20360355-A-T.
Other names: c.268T>A, p.Phe90Ile (NM_001008389.3, NM_001378232.1, NM_001378233.1 and 3 more transcripts); c.367T>A, p.Phe123Ile (NM_001278614.2); short protein forms F123I, F90I.
Identifiers: ClinVar variation 4072229 (VCV004072229.1).